The following is an entry in ClinVar:

NM_000535.7(PMS2):c.903+4T>A

Gene: PMS2 (PMS1 homolog 2, mismatch repair system component; minus strand). Cytogenetic location: 7p22.1.
Variant type: single nucleotide variant.
Coding change: c.903+4T>A on transcript NM_000535.7 (MANE Select); 4 bases into the intron after coding-DNA position 903, T replaced by A.
Molecular consequence: intron variant.
Genome position (GRCh38, 1-based): chr7:5,995,530, A>T on the plus strand (T>A on the coding strand, the complement: PMS2 is on the minus strand). VCF-style: chr7-5995530-A-T. GRCh37 (hg19) VCF-style: chr7-6035161-A-T.
Other names: c.585+4T>A (NM_001322008.2, NM_001322007.2); c.498+4T>A (NM_001322010.2, NM_001322004.2, NM_001322003.2 and 2 more transcripts); c.330+4T>A (NM_001322013.2); c.-31+4T>A (NM_001322012.2, NM_001322011.2); c.594+4T>A (NM_001322015.2); c.903+4T>A (NM_001322006.2, NM_001322014.2).
Identifiers: ClinVar variation 237931 (VCV000237931.29), dbSNP rs753803330, ClinGen allele CA052307.
Genomic context (GRCh38, chr7:5,995,530, plus strand): 5'-AAAAAGTTATCAATTAAAAGTCAAAGGCATAAAGAACAAACTAACACAAAAAAATTTTAA[A>T]TACCTTTGCTGGGTCACAAGGCCGCCGGTTGATAAAGAAAAACTGTCTGTCTGTTGAACT-3'

ClinVar aggregate classification (germline): Benign/Likely benign. Review status: criteria provided, multiple submitters, no conflicts (2 of 4 stars). 11 submissions from 11 submitters: Benign (1); Likely benign (9). 1 of the submissions does not count toward it. Last evaluated 2026-01-26.

Conditions:
PMS2-related disorder. Also called: PMS2-related condition.
Hereditary nonpolyposis colorectal neoplasms. Identifiers: MedGen C0009405, MeSH D003123.
Hereditary cancer-predisposing syndrome. Also called: Neoplastic Syndromes, Hereditary; Hereditary neoplastic syndrome; Tumor predisposition; Hereditary Cancer Syndrome. Identifiers: Orphanet 140162, MedGen C0027672, MeSH D009386, MONDO:0015356.
Lynch syndrome. Identifiers: Orphanet 144, MedGen C4552100, MONDO:0005835. Disease mechanism: loss of function.
Lynch syndrome 4 (LYNCH4). Also called: Hereditary non-polyposis colorectal cancer, type 4; Colorectal cancer, hereditary nonpolyposis, type 4. Identifiers: Orphanet 144, MedGen C1838333, MONDO:0013699, OMIM 614337. Disease mechanism: loss of function.

Allele frequency attached by ClinVar (database versions not stated): gnomAD 0.00003.
gnomAD v4.1: 98 of 1,606,818 alleles (0.0061%); highest among the groups gnomAD compares: South Asian, 0.088%; 2 homozygotes.

Submissions (11):

Labcorp Genetics (formerly Invitae), Labcorp
Classification: Likely benign for Hereditary nonpolyposis colorectal neoplasms. Last evaluated: 2026-01-26. Review status: criteria provided, single submitter. Criteria: Invitae Variant Classification Sherloc (09022015). Collection method: clinical testing. Allele origin: germline.

Laboratory of Genetics, Children's Clinical University Hospital Latvia
Classification: Likely benign. Last evaluated: 2025-02-16. Review status: criteria provided, single submitter. Criteria: ACMG Guidelines, 2015. Collection method: clinical testing. Allele origin: germline. Affected: yes.

Myriad Genetics, Inc.
Classification: Likely benign for Lynch syndrome 4. Last evaluated: 2025-01-28. Review status: criteria provided, single submitter. Criteria: Myriad Autosomal Dominant, Autosomal Recessive and X-Linked Classification Criteria (2023). Collection method: clinical testing. Allele origin: unknown.
Comment: This variant is considered likely benign. This variant is intronic and is not expected to impact mRNA splicing.

All of Us Research Program, National Institutes of Health
Classification: Likely benign for Lynch syndrome. Last evaluated: 2023-12-13. Review status: criteria provided, single submitter. Criteria: ACMG Guidelines, 2015. Collection method: clinical testing. Allele origin: germline. Inheritance: Autosomal dominant inheritance. Observed: 3 variant alleles, 3 heterozygotes.
Comment: This study involves interpretation of variants in research participants for the purpose of population health screening. Participant phenotype was not available at the time of variant classification. Additional details can be found in publication PMID: 35346344, PMCID: PMC8962531

Sema4
Classification: Likely benign for Hereditary cancer-predisposing syndrome. Last evaluated: 2021-07-26. Review status: criteria provided, single submitter. Criteria: Sema4 Curation Guidelines. Collection method: curation. Allele origin: germline.

GeneDx
Classification: Likely benign. Last evaluated: 2021-03-24. Review status: criteria provided, single submitter. Criteria: GeneDx Variant Classification Process June 2021. Collection method: clinical testing. Allele origin: germline. Affected: yes.

Department of Pathology and Laboratory Medicine, Sinai Health System
Classification: Likely benign for Lynch syndrome. Last evaluated: 2020-07-07. Review status: criteria provided, single submitter. Criteria: ACMG Guidelines, 2015. Collection method: clinical testing. Allele origin: germline. Affected: yes.

Quest Diagnostics Nichols Institute San Juan Capistrano
Classification: Benign. Last evaluated: 2019-02-07. Review status: criteria provided, single submitter. Criteria: Quest Diagnostics criteria. Collection method: clinical testing. Allele origin: germline.

Ambry Genetics
Classification: Likely benign for Hereditary cancer-predisposing syndrome. Last evaluated: 2018-12-19. Review status: criteria provided, single submitter. Criteria: Ambry Variant Classification Scheme 2023. Collection method: clinical testing. Allele origin: germline.

Color Diagnostics, LLC DBA Color Health
Classification: Likely benign for Hereditary cancer-predisposing syndrome. Last evaluated: 2015-11-13. Review status: criteria provided, single submitter. Criteria: ACMG Guidelines, 2015. Collection method: clinical testing. Allele origin: germline.

PreventionGenetics, part of Exact Sciences
Classification: Likely benign for PMS2-related condition. Last evaluated: 2019-11-16. Review status: no assertion criteria provided. Collection method: clinical testing. Allele origin: germline. Not counted in ClinVar's aggregate classification.
Comment: This variant is classified as likely benign based on ACMG/AMP sequence variant interpretation guidelines (Richards et al. 2015 PMID: 25741868, with internal and published modifications).